The following is an entry in ClinVar:

ClinVar aggregate classification (germline): Uncertain significance (1 of 4 stars; one submission).

gnomAD v4.1: 1 of 1,613,920 alleles (0.000062%); highest among the groups gnomAD compares: South Asian, 0.0011%; no homozygotes.

Submission:

Labcorp Genetics (formerly Invitae), Labcorp
Classification: Uncertain significance. Last evaluated: 2022-06-17. Review status: criteria provided, single submitter. Criteria: Invitae Variant Classification Sherloc (09022015). Collection method: clinical testing. Allele origin: germline.
Comment: This sequence change replaces methionine, which is neutral and non-polar, with leucine, which is neutral and non-polar, at codon 235 of the TYRP1 protein (p.Met235Leu). This variant is not present in population databases (gnomAD no frequency). This variant has not been reported in the literature in individuals affected with TYRP1-related conditions. Algorithms developed to predict the effect of missense changes on protein structure and function (SIFT, PolyPhen-2, Align-GVGD) all suggest that this variant is likely to be tolerated. In summary, the available evidence is currently insufficient to determine the role of this variant in disease. Therefore, it has been classified as a Variant of Uncertain Significance.

NM_000550.3(TYRP1):c.703A>T (p.Met235Leu)

Gene: TYRP1 (tyrosinase related protein 1; plus strand). Cytogenetic location: 9p23.
Variant type: single nucleotide variant.
Coding change: c.703A>T on transcript NM_000550.3 (MANE Select); coding-DNA position 703, A replaced by T.
Protein change: p.Met235Leu; replaces methionine 235 with leucine.
Molecular consequence: missense variant.
Genome position (GRCh38, 1-based): chr9:12,695,832, A>T. VCF-style: chr9-12695832-A-T. GRCh37 (hg19) VCF-style: chr9-12695832-A-T.
Other names: short protein forms M235L.
Identifiers: ClinVar variation 1397096 (VCV001397096.5), dbSNP rs1328038290, ClinGen allele CA372938107.